The following is an entry in ClinVar:

NM_003922.4(HERC1):c.11023A>G (p.Ile3675Val)

Gene: HERC1 (HECT and RLD domain containing E3 ubiquitin protein ligase family member 1; minus strand). Cytogenetic location: 15q22.31.
Variant type: single nucleotide variant.
Coding change: c.11023A>G on transcript NM_003922.4 (MANE Select); coding-DNA position 11023, A replaced by G.
Protein change: p.Ile3675Val; replaces isoleucine 3675 with valine.
Molecular consequence: missense variant.
Genome position (GRCh38, 1-based): chr15:63,645,538, T>C on the plus strand (A>G on the coding strand, the complement: HERC1 is on the minus strand). VCF-style: chr15-63645538-T-C. GRCh37 (hg19) VCF-style: chr15-63937737-T-C.
Other names: short protein forms I3675V.
Identifiers: ClinVar variation 4858342 (VCV004858342.1).

ClinVar aggregate classification (germline): Uncertain significance (1 of 4 stars; one submission).

Conditions:
Inborn genetic diseases. Identifiers: MedGen C0950123, MeSH D030342.

gnomAD v4.1: 9 of 1,612,962 alleles (0.00056%); highest among the groups gnomAD compares: African/African-American, 0.0013%; no homozygotes.

Submission:

Ambry Genetics
Classification: Uncertain significance for Inborn genetic diseases. Last evaluated: 2026-04-01. Review status: criteria provided, single submitter. Criteria: Ambry Variant Classification Scheme 2023. Collection method: clinical testing. Allele origin: germline.
Comment: The c.11023A>G (p.I3675V) alteration is located in exon 56 (coding exon 55) of the HERC1 gene. This alteration results from a A to G substitution at nucleotide position 11023, causing the isoleucine (I) at amino acid position 3675 to be replaced by a valine (V). Based on data from gnomAD, the G allele has an overall frequency of 0.001% (4/278916) total alleles studied. The highest observed frequency was 0.004% (1/24166) of African alleles. Based on insufficient or conflicting evidence, the clinical significance of this alteration remains unclear.